The following is an entry in ClinVar:

ClinVar aggregate classification (germline): Uncertain significance. Review status: criteria provided, multiple submitters, no conflicts (2 of 4 stars). 3 submissions from 3 submitters: Uncertain significance (3). Last evaluated 2023-06-09.

Conditions:
Aortic aneurysm, familial thoracic 7 (AAT7). Also called: AORTIC DISSECTION, FAMILIAL, WITH OR WITHOUT AORTIC ANEURYSM. Identifiers: MedGen C3151077, MONDO:0013418, OMIM 613780.
Familial thoracic aortic aneurysm and aortic dissection (TAAD). Also called: Thoracic aortic aneurysms and dissections. Identifiers: Orphanet 91387, MedGen C4707243, MONDO:0019625.

Allele frequency attached by ClinVar (database versions not stated): gnomAD 0.00001; gnomAD exomes 0.00001; TOPMed 0.00001; ExAC 0.00002.
gnomAD v4.1: 9 of 1,609,598 alleles (0.00056%); highest among the groups gnomAD compares: Non-Finnish European, 0.00068%; no homozygotes.

Submissions (3):

GeneDx
Classification: Uncertain significance. Last evaluated: 2023-06-09. Review status: criteria provided, single submitter. Criteria: GeneDx Variant Classification Process June 2021. Collection method: clinical testing. Allele origin: germline. Affected: yes.
Comment: Not observed at significant frequency in large population cohorts (gnomAD); In silico analysis supports that this missense variant does not alter protein structure/function; Has not been previously published as pathogenic or benign to our knowledge

Ambry Genetics
Classification: Uncertain significance for Familial thoracic aortic aneurysm and aortic dissection. Last evaluated: 2023-05-06. Review status: criteria provided, single submitter. Criteria: Ambry Variant Classification Scheme 2023. Collection method: clinical testing. Allele origin: germline.
Comment: The p.V1008M variant (also known as c.3022G>A), located in coding exon 15 of the MYLK gene, results from a G to A substitution at nucleotide position 3022. The valine at codon 1008 is replaced by methionine, an amino acid with highly similar properties. This amino acid position is conserved. In addition, this alteration is predicted to be tolerated by in silico analysis. Since supporting evidence is limited at this time, the clinical significance of this alteration remains unclear.

Labcorp Genetics (formerly Invitae), Labcorp
Classification: Uncertain significance for Aortic aneurysm, familial thoracic 7. Last evaluated: 2022-09-24. Review status: criteria provided, single submitter. Criteria: Invitae Variant Classification Sherloc (09022015). Collection method: clinical testing. Allele origin: germline.
Comment: ClinVar contains an entry for this variant (Variation ID: 845791). This variant has not been reported in the literature in individuals affected with MYLK-related conditions. This variant is present in population databases (rs747305438, gnomAD 0.003%). This sequence change replaces valine, which is neutral and non-polar, with methionine, which is neutral and non-polar, at codon 1008 of the MYLK protein (p.Val1008Met). Advanced modeling of protein sequence and biophysical properties (such as structural, functional, and spatial information, amino acid conservation, physicochemical variation, residue mobility, and thermodynamic stability) performed at Invitae indicates that this missense variant is not expected to disrupt MYLK protein function. In summary, the available evidence is currently insufficient to determine the role of this variant in disease. Therefore, it has been classified as a Variant of Uncertain Significance.

NM_053025.4(MYLK):c.3022G>A (p.Val1008Met)

Gene: MYLK (myosin light chain kinase; minus strand). Cytogenetic location: 3q21.1.
Variant type: single nucleotide variant.
Coding change: c.3022G>A on transcript NM_053025.4 (MANE Select); coding-DNA position 3022, G replaced by A.
Protein change: p.Val1008Met; replaces valine 1008 with methionine.
Molecular consequence: missense variant.
Genome position (GRCh38, 1-based): chr3:123,700,446, C>T on the plus strand (G>A on the coding strand, the complement: MYLK is on the minus strand). VCF-style: chr3-123700446-C-T. GRCh37 (hg19) VCF-style: chr3-123419293-C-T.
Other names: c.2494G>A, p.Val832Met (NM_001321309.2); c.2815G>A, p.Val939Met (NM_053026.4, NM_053028.4); c.3022G>A, p.Val1008Met (NM_053027.4); short protein forms V1008M, V939M, V832M.
Identifiers: ClinVar variation 845791 (VCV000845791.12), dbSNP rs747305438, ClinGen allele CA069275.
Genomic context (GRCh38, chr3:123,700,446, plus strand): 5'-TGCCCACGGGTTTCAAGGGCCCTGAAGGCTGTGCATTGCTCAGGGGCTTGGAACTCTCCA[C>T]TGCCTTGGCATTCAGGGTCTCGGCACTGCTGCTGCCATTCTCTGCTGGTAATTTCTTCTT-3'
Protein context (NP_444253.3, residues 998-1018): SSAETLNAKA[Val1008Met]ESSKPLSNAQ